The following is an entry in ClinVar:

NM_032119.4(ADGRV1):c.1339G>A (p.Ala447Thr)

Gene: ADGRV1 (adhesion G protein-coupled receptor V1; plus strand). Cytogenetic location: 5q14.3.
Variant type: single nucleotide variant.
Coding change: c.1339G>A on transcript NM_032119.4 (MANE Select); coding-DNA position 1339, G replaced by A.
Protein change: p.Ala447Thr; replaces alanine 447 with threonine.
Molecular consequence: missense variant. On other transcripts: non-coding transcript variant (1).
Genome position (GRCh38, 1-based): chr5:90,628,662, G>A. VCF-style: chr5-90628662-G-A. GRCh37 (hg19) VCF-style: chr5-89924479-G-A.
Other names: short protein forms A447T.
Identifiers: ClinVar variation 4767658 (VCV004767658.1).

ClinVar aggregate classification (germline): Uncertain significance (1 of 4 stars; one submission).

gnomAD v4.1: 1 of 1,614,006 alleles (0.000062%); highest among the groups gnomAD compares: Non-Finnish European, 0.000085%; no homozygotes.

Submission:

Labcorp Genetics (formerly Invitae), Labcorp
Classification: Uncertain significance. Last evaluated: 2025-06-19. Review status: criteria provided, single submitter. Criteria: Invitae Variant Classification Sherloc (09022015). Collection method: clinical testing. Allele origin: germline.
Comment: This sequence change replaces alanine, which is neutral and non-polar, with threonine, which is neutral and polar, at codon 447 of the ADGRV1 protein (p.Ala447Thr). This variant is not present in population databases (gnomAD no frequency). This variant has not been reported in the literature in individuals affected with ADGRV1-related conditions. Invitae Evidence Modeling of protein sequence and biophysical properties (such as structural, functional, and spatial information, amino acid conservation, physicochemical variation, residue mobility, and thermodynamic stability) indicates that this missense variant is not expected to disrupt ADGRV1 protein function with a negative predictive value of 95%. In summary, the available evidence is currently insufficient to determine the role of this variant in disease. Therefore, it has been classified as a Variant of Uncertain Significance.